The following is an entry in ClinVar:

ClinVar aggregate classification (germline): Uncertain significance (1 of 4 stars; one submission).

Submission:

Labcorp Genetics (formerly Invitae), Labcorp
Classification: Uncertain significance. Last evaluated: 2025-12-22. Review status: criteria provided, single submitter. Criteria: Invitae Variant Classification Sherloc (09022015). Collection method: clinical testing. Allele origin: germline.
Comment: This sequence change creates a premature translational stop signal (p.Leu436Trpfs*33) in the LZTS1 gene. While this is not anticipated to result in nonsense mediated decay, it is expected to disrupt the last 161 amino acid(s) of the LZTS1 protein. This variant is not present in population databases (gnomAD no frequency). This variant has not been reported in the literature in individuals affected with LZTS1-related conditions. Experimental studies and prediction algorithms are not available or were not evaluated, and the functional significance of this variant is currently unknown. In summary, the available evidence is currently insufficient to determine the role of this variant in disease. Therefore, it has been classified as a Variant of Uncertain Significance.

NM_021020.5(LZTS1):c.1306del (p.Leu436fs)

Gene: LZTS1 (leucine zipper tumor suppressor 1; minus strand). Cytogenetic location: 8p21.3.
Variant type: Deletion.
Coding change: c.1306del on transcript NM_021020.5 (MANE Select); coding-DNA position 1306, one base deleted (C; older notation c.1306delC).
Protein change: p.Leu436fs; shifts the reading frame from leucine 436.
Molecular consequence: frameshift variant.
Genome position (GRCh38, 1-based): chr8:20,250,207, G deleted on the plus strand (C on the coding strand, the reverse complement: LZTS1 is on the minus strand); the first of 2 consecutive G bases (chr8:20,250,207-20,250,208); deleting either gives the same sequence. VCF-style (leftmost placement, unchanged base first): chr8-20250206-AG-A. GRCh37 (hg19) VCF-style: chr8-20107717-AG-A.
Other names: c.1306del, p.Leu436fs (NM_001362884.2); short protein forms L436fs.
Identifiers: ClinVar variation 4740668 (VCV004740668.1).